The following is an entry in ClinVar:

NM_003072.5(SMARCA4):c.684_719del (p.229GP[2])

Gene: SMARCA4 (SWI/SNF related BAF chromatin remodeling complex subunit ATPase 4; plus strand). Cytogenetic location: 19p13.2.
Variant type: Deletion.
Coding change: c.684_719del on transcript NM_003072.5 (MANE Select); coding-DNA positions 684 to 719, 36 bases deleted.
Protein change: p.229GP[2].
Molecular consequence: non-coding transcript variant (on NR_164683.1).
Genome position (GRCh38, 1-based): chr19:10,986,517-10,986,552, 36 bases deleted; deleting any 36 consecutive bases within chr19:10,986,516-10,986,552 gives the same sequence; the c. name uses the placement nearest the transcript's 3' end. GRCh37 (hg19): chr19:11,097,193-11,097,228.
Other names: c.684_719del, p.229GP[2] (NM_001128844.3, NM_001128845.2, NM_001128846.2 and 6 more transcripts).
Identifiers: ClinVar variation 3646686 (VCV003646686.2).

ClinVar aggregate classification (germline): Uncertain significance (1 of 4 stars; one submission).

Conditions:
Rhabdoid tumor predisposition syndrome 2 (RTPS2). Identifiers: Orphanet 231108, Orphanet 69077, MedGen C2750074, MONDO:0013224, OMIM 613325.

Submission:

Labcorp Genetics (formerly Invitae), Labcorp
Classification: Uncertain significance for Rhabdoid tumor predisposition syndrome 2. Last evaluated: 2024-03-19. Review status: criteria provided, single submitter. Criteria: Invitae Variant Classification Sherloc (09022015). Collection method: clinical testing. Allele origin: germline.
Comment: This variant, c.684_719del, results in the deletion of 12 amino acid(s) of the SMARCA4 protein (p.Gly233_Pro244del), but otherwise preserves the integrity of the reading frame. This variant is not present in population databases (gnomAD no frequency). This variant has not been reported in the literature in individuals affected with SMARCA4-related conditions. In summary, the available evidence is currently insufficient to determine the role of this variant in disease. Therefore, it has been classified as a Variant of Uncertain Significance.